The following is an entry in ClinVar:

ClinVar aggregate classification (germline): Pathogenic. Review status: criteria provided, multiple submitters, no conflicts (2 of 4 stars). 2 submissions from 2 submitters: Pathogenic (2). Last evaluated 2024-09-27.

Conditions:
EXT1-related disorders.
Multiple congenital exostosis (EXT). Also called: Multiple osteochondromas; Hereditary multiple osteochondromas; MULTIPLE CARTILAGINOUS EXOSTOSES; Multiple exostoses; Hereditary multiple exostoses; Hereditary multiple exostosis. Identifiers: Orphanet 321, MedGen C0015306, MONDO:0005508, HP:0002762.

Submissions (2):

Blueprint Genetics
Classification: Pathogenic for EXT1-related disorders. Last evaluated: 2024-09-27. Review status: criteria provided, single submitter. Criteria: ACMG Guidelines, 2015. Collection method: clinical testing. Allele origin: germline. Affected: yes. Observed: 2 variant alleles.

Labcorp Genetics (formerly Invitae), Labcorp
Classification: Pathogenic for Multiple congenital exostosis. Last evaluated: 2023-12-22. Review status: criteria provided, single submitter. Criteria: Invitae Variant Classification Sherloc (09022015). Collection method: clinical testing. Allele origin: germline.
Comment: This sequence change affects a donor splice site in intron 8 of the EXT1 gene. RNA analysis indicates that disruption of this splice site induces altered splicing and likely results in a shortened protein product. This variant is not present in population databases (gnomAD no frequency). Disruption of this splice site has been observed in individual(s) with multiple osteochondromas (PMID: 18165274, 23262345). It has also been observed to segregate with disease in related individuals. Studies have shown that disruption of this splice site results in skipping of exon 8, but is expected to preserve the integrity of the reading-frame (PMID: 23262345). For these reasons, this variant has been classified as Pathogenic.

Literature cited by the submitters: PubMed 18165274 (cited by Labcorp Genetics (formerly Invitae), Labcorp); PubMed 23262345 (cited by Labcorp Genetics (formerly Invitae), Labcorp).

NM_000127.3(EXT1):c.1722+1G>A

Gene: EXT1 (exostosin glycosyltransferase 1; minus strand). Cytogenetic location: 8q24.11.
Variant type: single nucleotide variant.
Coding change: c.1722+1G>A on transcript NM_000127.3 (MANE Select); the canonical splice donor site of the intron after coding-DNA position 1722, G replaced by A.
Molecular consequence: splice donor variant.
Genome position (GRCh38, 1-based): chr8:117,812,871, C>T on the plus strand (G>A on the coding strand, the complement: EXT1 is on the minus strand). VCF-style: chr8-117812871-C-T. GRCh37 (hg19) VCF-style: chr8-118825110-C-T.
Identifiers: ClinVar variation 2735199 (VCV002735199.4), dbSNP rs1823350857, ClinGen allele CA371880786.